The following is an entry in ClinVar:

ClinVar aggregate classification (germline): Uncertain significance. Review status: criteria provided, multiple submitters, no conflicts (2 of 4 stars). 6 submissions from 6 submitters: Uncertain significance (5). 1 of the submissions does not count toward it. Last evaluated 2025-11-23.

Conditions:
Dyskeratosis congenita, autosomal recessive 5 (DKCB5). Identifiers: MedGen C3554656, MONDO:0014076, OMIM 615190.
Pulmonary fibrosis and/or bone marrow failure, Telomere-related, 3. Also called: PULMONARY FIBROSIS AND/OR BONE MARROW FAILURE SYNDROME, TELOMERE-RELATED, 3. Identifiers: Orphanet 2032, MedGen C4225346, MONDO:0014613, OMIM 616373.
Dyskeratosis congenita. Identifiers: Orphanet 1775, MedGen C0265965, MONDO:0015780.

Allele frequency attached by ClinVar (database versions not stated): gnomAD 0.00005 and 0.00006; TOPMed 0.00006; ESP Exome Variant Server 0.00008; gnomAD exomes 0.00015; ExAC 0.00017.
gnomAD v4.1: 303 of 1,612,164 alleles (0.019%); highest among the groups gnomAD compares: Non-Finnish European, 0.023%; 1 homozygote.

Submissions (6):

Labcorp Genetics (formerly Invitae), Labcorp
Classification: Uncertain significance for Dyskeratosis congenita, autosomal recessive 5; Pulmonary fibrosis and/or bone marrow failure, Telomere-related, 3. Last evaluated: 2025-11-23. Review status: criteria provided, single submitter. Criteria: Invitae Variant Classification Sherloc (09022015). Collection method: clinical testing. Allele origin: germline.
Comment: This sequence change replaces arginine, which is basic and polar, with glutamine, which is neutral and polar, at codon 754 of the RTEL1 protein (p.Arg754Gln). This variant is present in population databases (rs141423196, gnomAD 0.02%). This missense change has been observed in individual(s) with clinical features of RTEL1-related conditions (PMID: 37944684). This variant is also known as NM_032957.4:c.2333G>A (p.Arg778Gln). ClinVar contains an entry for this variant (Variation ID: 646356). An algorithm developed to predict the effect of missense changes on protein structure and function (PolyPhen-2) suggests that this variant is likely to be tolerated. In summary, the available evidence is currently insufficient to determine the role of this variant in disease. Therefore, it has been classified as a Variant of Uncertain Significance.

GeneDx
Classification: Uncertain significance. Last evaluated: 2025-04-02. Review status: criteria provided, single submitter. Criteria: GeneDx Variant Classification Process June 2021. Collection method: clinical testing. Allele origin: germline.
Comment: In silico analysis indicates that this missense variant does not alter protein structure/function; Has not been previously published as pathogenic or benign to our knowledge; This variant is associated with the following publications: (PMID: 37944684)

Blueprint Genetics
Classification: Uncertain significance. Last evaluated: 2024-09-13. Review status: criteria provided, single submitter. Criteria: ACMG Guidelines, 2015. Collection method: clinical testing. Allele origin: germline.

Godley laboratory, The University of Chicago
Classification: Uncertain significance for Dyskeratosis congenita, autosomal recessive 5. Last evaluated: 2020-05-18. Review status: criteria provided, single submitter. Criteria: ACMG Guidelines, 2015. Collection method: clinical testing. Allele origin: germline. Inheritance: Autosomal dominant inheritance. Affected: yes.

Mayo Clinic Laboratories, Mayo Clinic
Classification: Uncertain significance. Last evaluated: 2019-05-12. Review status: criteria provided, single submitter. Criteria: ACMG Guidelines, 2015. Collection method: clinical testing. Allele origin: germline. Observed: 1 variant allele.

Natera, Inc.
Classification: Uncertain significance for Dyskeratosis congenita. Last evaluated: 2020-03-10. Review status: no assertion criteria provided. Collection method: clinical testing. Allele origin: germline. Not counted in ClinVar's aggregate classification.

Literature cited by the submitters: PubMed 37944684 (cited by Labcorp Genetics (formerly Invitae), Labcorp).

NM_001283009.2(RTEL1):c.2261G>A (p.Arg754Gln)

Genes: RTEL1 (regulator of telomere elongation helicase 1; plus strand), RTEL1-TNFRSF6B (RTEL1-TNFRSF6B readthrough (NMD candidate); plus strand). Cytogenetic location: 20q13.33.
Variant type: single nucleotide variant.
Coding change: c.2261G>A on transcript NM_001283009.2 (MANE Select); coding-DNA position 2261, G replaced by A.
Protein change: p.Arg754Gln; replaces arginine 754 with glutamine.
Molecular consequence: missense variant. On other transcripts: non-coding transcript variant (1).
Genome position (GRCh38, 1-based): chr20:63,690,206, G>A. VCF-style: chr20-63690206-G-A. GRCh37 (hg19) VCF-style: chr20-62321559-G-A.
Other names: c.1592G>A, p.Arg531Gln (NM_001283010.1); c.2261G>A, p.Arg754Gln (NM_016434.4); c.2333G>A, p.Arg778Gln (NM_032957.5); short protein forms R778Q, R754Q, R531Q.
Identifiers: ClinVar variation 646356 (VCV000646356.16), dbSNP rs141423196, ClinGen allele CA9965240.
Genomic context (GRCh38, chr20:63,690,206, plus strand): 5'-TGTATGACAACTTTGGCCATGTCATCCGAGACGTGGCCCAGTTCTTCCGTGTTGCCGAGC[G>A]AACTGTGAGTTCCTGCCCAGGGAGGGGATGAGGGTGTTGTCCCCAGAGGAGCCAGAAATG-3'
Protein context (NP_001269938.1, residues 744-764): DVAQFFRVAE[Arg754Gln]TMPAPAPRAT